The following is an entry in ClinVar:

ClinVar aggregate classification (germline): Uncertain significance (1 of 4 stars; one submission).

Conditions:
Hereditary cancer-predisposing syndrome. Also called: Tumor predisposition; Neoplastic Syndromes, Hereditary; Hereditary neoplastic syndrome; Hereditary Cancer Syndrome. Identifiers: Orphanet 140162, MedGen C0027672, MeSH D009386, MONDO:0015356.

Submission:

Color Diagnostics, LLC DBA Color Health
Classification: Uncertain significance for Hereditary cancer-predisposing syndrome. Last evaluated: 2023-12-05. Review status: criteria provided, single submitter. Criteria: ACMG Guidelines, 2015. Collection method: clinical testing. Allele origin: germline.
Comment: This missense variant replaces isoleucine with valine at codon 622 of the MSH6 protein. Computational prediction suggests that this variant may not impact protein structure and function (internally defined REVEL score threshold <= 0.5, PMID: 27666373). To our knowledge, functional studies have not been reported for this variant. This variant has not been reported in individuals affected with MSH6-related disorders in the literature. This variant has not been identified in the general population by the Genome Aggregation Database (gnomAD). The available evidence is insufficient to determine the role of this variant in disease conclusively. Therefore, this variant is classified as a Variant of Uncertain Significance.

NM_000179.3(MSH6):c.1864A>G (p.Ile622Val)

Gene: MSH6 (mutS homolog 6; plus strand). Cytogenetic location: 2p16.3.
Variant type: single nucleotide variant.
Coding change: c.1864A>G on transcript NM_000179.3 (MANE Select); coding-DNA position 1864, A replaced by G.
Protein change: p.Ile622Val; replaces isoleucine 622 with valine.
Molecular consequence: missense variant.
Genome position (GRCh38, 1-based): chr2:47,799,847, A>G. VCF-style: chr2-47799847-A-G. GRCh37 (hg19) VCF-style: chr2-48026986-A-G.
Other names: c.1474A>G, p.Ile492Val (NM_001281492.2); c.958A>G, p.Ile320Val (NM_001281493.2, NM_001281494.2); short protein forms I622V, I320V, I492V.
Identifiers: ClinVar variation 630436 (VCV000630436.4), dbSNP rs587778529, ClinGen allele CA346749840.